The following is an entry in ClinVar:

NM_001385875.1(ZFYVE27):c.1045A>T (p.Asn349Tyr)

Gene: ZFYVE27 (zinc finger FYVE-type containing 27; plus strand). Cytogenetic location: 10q24.2.
Variant type: single nucleotide variant.
Coding change: c.1045A>T on transcript NM_001385875.1 (MANE Select); coding-DNA position 1045, A replaced by T.
Protein change: p.Asn349Tyr; replaces asparagine 349 with tyrosine.
Molecular consequence: missense variant. On other transcripts: non-coding transcript variant (16).
Genome position (GRCh38, 1-based): chr10:97,757,267, A>T. VCF-style: chr10-97757267-A-T. GRCh37 (hg19) VCF-style: chr10-99517024-A-T.
Other names: c.1060A>T, p.Asn354Tyr (NM_001385871.1, NM_001002261.4); c.943A>T, p.Asn315Tyr (NM_001385886.1, NM_001385887.1, NM_001385888.1); c.928A>T, p.Asn310Tyr (NM_001385889.1, NM_001174119.2); c.1078A>T, p.Asn360Tyr (NM_001385876.1); c.1042A>T, p.Asn348Tyr (NM_001385877.1); c.1039A>T, p.Asn347Tyr (NM_001385878.1, NM_001385879.1, NM_001385882.1); c.1024A>T, p.Asn342Tyr (NM_001385880.1, NM_001385881.1, NM_001385883.1 and 2 more transcripts); c.964A>T, p.Asn322Tyr (NM_001385885.1); and 14 more; short protein forms N131Y, N231Y, N261Y, N270Y, N274Y, N310Y, N224Y, N281Y.
Identifiers: ClinVar variation 3630339 (VCV003630339.2).

ClinVar aggregate classification (germline): Uncertain significance (1 of 4 stars; one submission).

Conditions:
Spastic paraplegia. Identifiers: MedGen C0037772, HP:0001258.

gnomAD v4.1: 24 of 1,614,084 alleles (0.0015%); highest among the groups gnomAD compares: Middle Eastern, 0.016%; no homozygotes.

Submission:

Labcorp Genetics (formerly Invitae), Labcorp
Classification: Uncertain significance for Spastic paraplegia. Last evaluated: 2024-08-31. Review status: criteria provided, single submitter. Criteria: Invitae Variant Classification Sherloc (09022015). Collection method: clinical testing. Allele origin: germline.
Comment: This sequence change replaces asparagine, which is neutral and polar, with tyrosine, which is neutral and polar, at codon 354 of the ZFYVE27 protein (p.Asn354Tyr). This variant is present in population databases (rs571116402, gnomAD 0.003%). This variant has not been reported in the literature in individuals affected with ZFYVE27-related conditions. An algorithm developed to predict the effect of missense changes on protein structure and function (PolyPhen-2) suggests that this variant is likely to be disruptive. In summary, the available evidence is currently insufficient to determine the role of this variant in disease. Therefore, it has been classified as a Variant of Uncertain Significance.